The following is an entry in ClinVar:

NM_024426.6(WT1):c.1508A>G (p.Glu503Gly)

Gene: WT1 (WT1 transcription factor; minus strand). Cytogenetic location: 11p13.
Variant type: single nucleotide variant.
Coding change: c.1508A>G on transcript NM_024426.6 (MANE Select); coding-DNA position 1508, A replaced by G.
Protein change: p.Glu503Gly; replaces glutamic acid 503 with glycine.
Molecular consequence: missense variant. On other transcripts: non-coding transcript variant (2).
Genome position (GRCh38, 1-based): chr11:32,389,119, T>C on the plus strand (A>G on the coding strand, the complement: WT1 is on the minus strand). VCF-style: chr11-32389119-T-C. GRCh37 (hg19) VCF-style: chr11-32410665-T-C.
Other names: c.1448A>G, p.Glu483Gly (NM_000378.6); c.848A>G, p.Glu283Gly (NM_001198551.2); c.806A>G, p.Glu269Gly (NM_001198552.2); c.320A>G, p.Glu107Gly (NM_001367854.1); c.1493A>G, p.Glu498Gly (NM_001407044.1); c.1457A>G, p.Glu486Gly (NM_001407045.1); c.1415A>G, p.Glu472Gly (NM_001407046.1); c.1376A>G, p.Glu459Gly (NM_001407047.1); and 9 more; short protein forms E430G, E459G, E472G, E503G, E107G, E269G, E483G, E498G.
Identifiers: ClinVar variation 4788129 (VCV004788129.1).
Genomic context (GRCh38, chr11:32,389,119, plus strand): 5'-CAAAGCGCCAGCTGGAGTTTGGTCATGTTTCTCTGATGCATGTTGTGATGGCGGACTAAT[T>C]CATCTGACCGGGCAAACTTTTTCTGACAACTTGGCCACCGACAGCTGAAGGGCTTTTCAC-3'
Protein context (NP_077744.4, residues 493-513): SCQKKFARSD[Glu503Gly]LVRHHNMHQR

ClinVar aggregate classification (germline): Uncertain significance (1 of 4 stars; one submission).

Conditions:
Wilms tumor 1 (WT1). Also called: Wilms tumor, somatic. Identifiers: Orphanet 654, MedGen CN033288, MONDO:0008679, OMIM 194070.
11p partial monosomy syndrome (WAGR). Also called: CHROMOSOME 11p13 DELETION SYNDROME; WAGR syndrome; WAGR Complex; WAGR Spectrum Disorder. Identifiers: Orphanet 893, MedGen C0206115, MONDO:0008681, OMIM 194072.
Frasier syndrome. Identifiers: Orphanet 347, MedGen C0950122, MeSH D052159, MONDO:0007635, OMIM 136680.
Drash syndrome (DDS). Also called: NEPHROPATHY, WILMS TUMOR, AND GENITAL ANOMALIES; WILMS TUMOR AND PSEUDO- OR TRUE HERMAPHRODITISM. Identifiers: Orphanet 220, MedGen C0950121, MONDO:0008682, OMIM 194080.

Submission:

Labcorp Genetics (formerly Invitae), Labcorp
Classification: Uncertain significance for Wilms tumor 1; Drash syndrome; 11p partial monosomy syndrome; Frasier syndrome. Last evaluated: 2025-08-01. Review status: criteria provided, single submitter. Criteria: Invitae Variant Classification Sherloc (09022015). Collection method: clinical testing. Allele origin: germline.
Comment: This sequence change replaces glutamic acid, which is acidic and polar, with glycine, which is neutral and non-polar, at codon 498 of the WT1 protein (p.Glu498Gly). This variant is not present in population databases (gnomAD no frequency). This missense change has been observed in individual(s) with WT1-related conditioins (PMID: 30668521). Invitae Evidence Modeling of protein sequence and biophysical properties (such as structural, functional, and spatial information, amino acid conservation, physicochemical variation, residue mobility, and thermodynamic stability) indicates that this missense variant is expected to disrupt WT1 protein function with a positive predictive value of 80%. In summary, the available evidence is currently insufficient to determine the role of this variant in disease. Therefore, it has been classified as a Variant of Uncertain Significance.

Literature cited by the submitters: PubMed 30668521.